The following is an entry in ClinVar:

ClinVar aggregate classification (germline): Conflicting classifications of pathogenicity. Review status: criteria provided, conflicting classifications (1 of 4 stars). 4 submissions from 4 submitters: Uncertain significance (3); Likely benign (1). Last evaluated 2025-07-31.

Conditions:
Hereditary breast ovarian cancer syndrome. Also called: Hereditary breast and ovarian cancer; Hereditary breast and ovarian cancer syndrome; Breast and ovarian cancer; BRCA1- and BRCA2-Associated Hereditary Breast and Ovarian Cancer; Hereditary breast and/or ovarian cancer syndrome; Hereditary breast and ovarian cancer syndrome (HBOC). Identifiers: Orphanet 145, MedGen C0677776, MeSH D061325, MONDO:0003582. Disease mechanism: loss of function.
Hereditary cancer-predisposing syndrome. Also called: Neoplastic Syndromes, Hereditary; Hereditary Cancer Syndrome; Tumor predisposition; Hereditary neoplastic syndrome. Identifiers: Orphanet 140162, MedGen C0027672, MeSH D009386, MONDO:0015356.

Submissions (4):

Labcorp Genetics (formerly Invitae), Labcorp
Classification: Uncertain significance for Hereditary breast ovarian cancer syndrome. Last evaluated: 2025-07-31. Review status: criteria provided, single submitter. Criteria: Invitae Variant Classification Sherloc (09022015). Collection method: clinical testing. Allele origin: germline.
Comment: This sequence change replaces threonine, which is neutral and polar, with lysine, which is basic and polar, at codon 298 of the BRCA2 protein (p.Thr298Lys). This variant is not present in population databases (gnomAD no frequency). This variant has not been reported in the literature in individuals affected with BRCA2-related conditions. ClinVar contains an entry for this variant (Variation ID: 993213). Invitae Evidence Modeling of protein sequence and biophysical properties (such as structural, functional, and spatial information, amino acid conservation, physicochemical variation, residue mobility, and thermodynamic stability) indicates that this missense variant is not expected to disrupt BRCA2 protein function with a negative predictive value of 95%. In summary, the available evidence is currently insufficient to determine the role of this variant in disease. Therefore, it has been classified as a Variant of Uncertain Significance.

University of Washington Department of Laboratory Medicine, University of Washington
Classification: Likely benign for Hereditary cancer-predisposing syndrome. Last evaluated: 2023-03-23. Review status: criteria provided, single submitter. Criteria: Dines et al. (Genet Med. 2020). Collection method: curation. Allele origin: germline.
Comment: Missense variant in a coldspot region where missense variants are very unlikely to be pathogenic (PMID:31911673).

BRCA2 exon 10 coldspot. Reclassification based on statistical prior probability.

Quest Diagnostics Nichols Institute San Juan Capistrano
Classification: Uncertain significance. Last evaluated: 2019-11-07. Review status: criteria provided, single submitter. Criteria: Quest Diagnostics criteria. Collection method: clinical testing. Allele origin: unknown.

GeneDx
Classification: Uncertain significance. Last evaluated: 2019-10-10. Review status: criteria provided, single submitter. Criteria: GeneDx Variant Classification Process June 2021. Collection method: clinical testing. Allele origin: germline. Affected: yes.
Comment: Not observed in large population cohorts (Lek 2016); In silico analysis, which includes protein predictors and evolutionary conservation, supports that this variant does not alter protein structure/function; Has not been previously published as pathogenic or benign to our knowledge; Also known as BRCA2 c.1121C>A

NM_000059.4(BRCA2):c.893C>A (p.Thr298Lys)

Gene: BRCA2 (BRCA2 DNA repair associated; plus strand). Cytogenetic location: 13q13.1.
Variant type: single nucleotide variant.
Coding change: c.893C>A on transcript NM_000059.4 (MANE Select); coding-DNA position 893, C replaced by A.
Protein change: p.Thr298Lys; replaces threonine 298 with lysine.
Molecular consequence: missense variant.
Genome position (GRCh38, 1-based): chr13:32,332,371, C>A. VCF-style: chr13-32332371-C-A. GRCh37 (hg19) VCF-style: chr13-32906508-C-A.
Other names: short protein forms T298K.
Identifiers: ClinVar variation 993213 (VCV000993213.11), dbSNP rs753067824, ClinGen allele CA387760665.